The following is an entry in ClinVar:

NM_001128425.2(MUTYH):c.175G>A (p.Ala59Thr)

Gene: MUTYH (mutY DNA glycosylase; minus strand). Cytogenetic location: 1p34.1.
Variant type: single nucleotide variant.
Coding change: c.175G>A on transcript NM_001128425.2 (MANE Plus Clinical); coding-DNA position 175, G replaced by A.
Protein change: p.Ala59Thr; replaces alanine 59 with threonine.
Molecular consequence: missense variant. On other transcripts: intron variant (24).
Genome position (GRCh38, 1-based): chr1:45,333,586, C>T on the plus strand (G>A on the coding strand, the complement: MUTYH is on the minus strand). VCF-style: chr1-45333586-C-T. GRCh37 (hg19) VCF-style: chr1-45799258-C-T.
Other names: c.124G>A, p.Ala42Thr (NM_001293191.2, NM_001407077.1); c.166G>A, p.Ala56Thr (NM_001407069.1, NM_012222.3); c.7G>A, p.Ala3Thr (NM_001407075.1); c.133G>A, p.Ala45Thr (NM_001407083.1, NM_001407085.1); c.116-22G>A (NM_001048172.2, NM_001407078.1, NM_001407086.1 and 2 more transcripts); c.116-25G>A (NM_001407081.1, NM_001048174.2, NM_001407088.1 and 7 more transcripts); c.-97-89G>A (NM_001407091.1, NM_001293192.2, NM_001293196.2); c.134-22G>A (NM_001407087.1); and 4 more; short protein forms A45T, A42T, A3T, A56T, A59T.
Identifiers: ClinVar variation 2805994 (VCV002805994.3), dbSNP rs1570447125, ClinGen allele CA340136808.

ClinVar aggregate classification (germline): Uncertain significance (1 of 4 stars; one submission).

Conditions:
Familial adenomatous polyposis 2. Also called: MUTYH-related attenuated familial adenomatous polyposis; COLORECTAL ADENOMATOUS POLYPOSIS, AUTOSOMAL RECESSIVE; ADENOMAS, MULTIPLE COLORECTAL, AUTOSOMAL RECESSIVE; MYH-associated polyposis; MUTYH-associated polyposis; MUTYH Polyposis. Identifiers: Orphanet 220460, Orphanet 247798, MedGen C3272841, MONDO:0012041, OMIM 608456.

Submission:

Labcorp Genetics (formerly Invitae), Labcorp
Classification: Uncertain significance for Familial adenomatous polyposis 2. Last evaluated: 2023-11-27. Review status: criteria provided, single submitter. Criteria: Invitae Variant Classification Sherloc (09022015). Collection method: clinical testing. Allele origin: germline.
Comment: This sequence change replaces alanine, which is neutral and non-polar, with threonine, which is neutral and polar, at codon 59 of the MUTYH protein (p.Ala59Thr). This variant is not present in population databases (gnomAD no frequency). This variant has not been reported in the literature in individuals affected with MUTYH-related conditions. An algorithm developed to predict the effect of missense changes on protein structure and function (PolyPhen-2) suggests that this variant is likely to be tolerated. In summary, the available evidence is currently insufficient to determine the role of this variant in disease. Therefore, it has been classified as a Variant of Uncertain Significance.